The following is an entry in ClinVar:

NM_153747.2(PIGC):c.138C>A (p.Tyr46Ter)

Genes: C1orf105 (chromosome 1 open reading frame 105; plus strand), PIGC (phosphatidylinositol glycan anchor biosynthesis class C; minus strand). Cytogenetic location: 1q24.3.
Variant type: single nucleotide variant.
Coding change: c.138C>A on transcript NM_153747.2 (MANE Select); coding-DNA position 138, C replaced by A.
Protein change: p.Tyr46Ter; replaces tyrosine 46 with a stop codon.
Molecular consequence: nonsense. On other transcripts: intron variant (1).
Genome position (GRCh38, 1-based): chr1:172,442,485, G>T on the plus strand (C>A on the coding strand, the complement: PIGC is on the minus strand). VCF-style: chr1-172442485-G-T. GRCh37 (hg19) VCF-style: chr1-172411625-G-T.
Other names: c.138C>A, p.Tyr46Ter (NM_002642.4); c.22-2588G>T (NM_139240.4); short protein forms Y46*.
Identifiers: ClinVar variation 982966 (VCV000982966.1), dbSNP rs375570541, ClinGen allele CA343733527.

ClinVar aggregate classification (germline): Uncertain significance (1 of 4 stars; one submission).

Conditions:
Glycosylphosphatidylinositol biosynthesis defect 16. Also called: MENTAL RETARDATION, AUTOSOMAL RECESSIVE 62. Identifiers: MedGen C4540521, MONDO:0040500, OMIM 617816.

Submission:

Institute of Human Genetics, University of Leipzig Medical Center
Classification: Uncertain significance for Glycosylphosphatidylinositol biosynthesis defect 16. Last evaluated: 2019-01-01. Review status: criteria provided, single submitter. Criteria: ACMG Guidelines, 2015. Collection method: clinical testing. Allele origin: unknown. Affected: yes.
Comment: This variant was identified as compound heterozygous.